The following is an entry in ClinVar:

ClinVar aggregate classification (germline): Uncertain significance (1 of 4 stars; one submission).

Conditions:
Asphyxiating thoracic dystrophy 5 (SRTD5). Also called: SHORT-RIB THORACIC DYSPLASIA 5 WITH OR WITHOUT POLYDACTYLY; SHORT-RIB THORACIC DYSPLASIA 5 WITHOUT POLYDACTYLY. Identifiers: Orphanet 474, MedGen C3280598, MONDO:0013717, OMIM 614376.
Senior-Loken syndrome 8 (SLSN8). Identifiers: Orphanet 3156, MedGen C4225376, MONDO:0014579, OMIM 616307.

Submission:

Labcorp Genetics (formerly Invitae), Labcorp
Classification: Uncertain significance for Senior-Loken syndrome 8; Asphyxiating thoracic dystrophy 5. Last evaluated: 2022-02-08. Review status: criteria provided, single submitter. Criteria: Invitae Variant Classification Sherloc (09022015). Collection method: clinical testing. Allele origin: germline.
Comment: This variant is not present in population databases (gnomAD no frequency). Algorithms developed to predict the effect of missense changes on protein structure and function (SIFT, PolyPhen-2, Align-GVGD) all suggest that this variant is likely to be tolerated. This variant has not been reported in the literature in individuals affected with WDR19-related conditions. ClinVar contains an entry for this variant (Variation ID: 1036314). This sequence change replaces proline, which is neutral and non-polar, with alanine, which is neutral and non-polar, at codon 895 of the WDR19 protein (p.Pro895Ala). In summary, the available evidence is currently insufficient to determine the role of this variant in disease. Therefore, it has been classified as a Variant of Uncertain Significance.

NM_025132.4(WDR19):c.2683C>G (p.Pro895Ala)

Gene: WDR19 (WD repeat domain 19; plus strand). Cytogenetic location: 4p14.
Variant type: single nucleotide variant.
Coding change: c.2683C>G on transcript NM_025132.4 (MANE Select); coding-DNA position 2683, C replaced by G.
Protein change: p.Pro895Ala; replaces proline 895 with alanine.
Molecular consequence: missense variant.
Genome position (GRCh38, 1-based): chr4:39,245,406, C>G. VCF-style: chr4-39245406-C-G. GRCh37 (hg19) VCF-style: chr4-39247026-C-G.
Other names: c.2203C>G, p.Pro735Ala (NM_001317924.2); short protein forms P735A, P895A.
Identifiers: ClinVar variation 1036314 (VCV001036314.10), dbSNP rs1732419230, ClinGen allele CA356639156.